The following is an entry in ClinVar:

NM_174934.4(SCN4B):c.661G>C (p.Glu221Gln)

Gene: SCN4B (sodium voltage-gated channel beta subunit 4; minus strand). Cytogenetic location: 11q23.3.
Variant type: single nucleotide variant.
Coding change: c.661G>C on transcript NM_174934.4 (MANE Select); coding-DNA position 661, G replaced by C.
Protein change: p.Glu221Gln; replaces glutamic acid 221 with glutamine.
Molecular consequence: missense variant. On other transcripts: non-coding transcript variant (1).
Genome position (GRCh38, 1-based): chr11:118,137,053, C>G on the plus strand (G>C on the coding strand, the complement: SCN4B is on the minus strand). VCF-style: chr11-118137053-C-G. GRCh37 (hg19) VCF-style: chr11-118007768-C-G.
Other names: c.259G>C, p.Glu87Gln (NM_001142348.2); c.331G>C, p.Glu111Gln (NM_001142349.2); short protein forms E87Q, E221Q, E111Q.
Identifiers: ClinVar variation 2829978 (VCV002829978.3), dbSNP rs992079470, ClinGen allele CA229485025.
Genomic context (GRCh38, chr11:118,137,053, plus strand): 5'-GGGCTCCCTGCAGCTGCTCAGCCCGAAGCAGGGCTCACACTTTTGAAGGTGGTTTCTCCT[C>G]TGCCTTGGAGCCAGGCAAGCCGTTCTCCGTGTTGTCATTCCCCGAGGAGCTCACGAGACA-3'
Protein context (NP_777594.1, residues 211-228): TENGLPGSKA[Glu221Gln]EKPPSKV

ClinVar aggregate classification (germline): Uncertain significance (1 of 4 stars; one submission).

Conditions:
Long QT syndrome 10 (LQT10). Identifiers: Orphanet 101016, Orphanet 768, MedGen C2678484, MONDO:0012737, OMIM 611819.

Allele frequency attached by ClinVar (database versions not stated): TOPMed below 0.00001.

Submission:

Labcorp Genetics (formerly Invitae), Labcorp
Classification: Uncertain significance for Long QT syndrome 10. Last evaluated: 2023-12-12. Review status: criteria provided, single submitter. Criteria: Invitae Variant Classification Sherloc (09022015). Collection method: clinical testing. Allele origin: germline.
Comment: This sequence change replaces glutamic acid, which is acidic and polar, with glutamine, which is neutral and polar, at codon 221 of the SCN4B protein (p.Glu221Gln). This variant is not present in population databases (gnomAD no frequency). This variant has not been reported in the literature in individuals affected with SCN4B-related conditions. An algorithm developed to predict the effect of missense changes on protein structure and function (PolyPhen-2) suggests that this variant is likely to be disruptive. In summary, the available evidence is currently insufficient to determine the role of this variant in disease. Therefore, it has been classified as a Variant of Uncertain Significance.